The following is an entry in ClinVar:

NM_002458.3(MUC5B):c.16536C>T (p.Cys5512=)

Gene: MUC5B (mucin 5B, oligomeric mucus/gel-forming; plus strand). Cytogenetic location: 11p15.5.
Variant type: single nucleotide variant.
Coding change: c.16536C>T on transcript NM_002458.3 (MANE Select); coding-DNA position 16536, C replaced by T.
Protein change: p.Cys5512=; no amino-acid change (cysteine 5512 retained).
Molecular consequence: synonymous variant.
Genome position (GRCh38, 1-based): chr11:1,258,184, C>T. VCF-style: chr11-1258184-C-T. GRCh37 (hg19) VCF-style: chr11-1279414-C-T.
Identifiers: ClinVar variation 4821192 (VCV004821192.4).

ClinVar aggregate classification (germline): Likely benign (1 of 4 stars; one submission).

gnomAD v4.1: 647 of 1,598,352 alleles (0.04%); highest among the groups gnomAD compares: African/African-American, 0.78%; 7 homozygotes.

Submission:

CeGaT Center for Human Genetics Tuebingen
Classification: Likely benign. Last evaluated: 2026-03-01. Review status: criteria provided, single submitter. Criteria: CeGaT Center For Human Genetics Tuebingen Variant Classification Criteria Version 2. Collection method: clinical testing. Allele origin: germline. Affected: yes. Observed: 1 variant allele.
Comment: MUC5B: BP4, BP7